The following is an entry in ClinVar:

NM_015602.4(TOR1AIP1):c.338A>C (p.Gln113Pro)

Genes: TOR1AIP1 (torsin 1A interacting protein 1; plus strand), LOC112577517 (Sharpr-MPRA regulatory region 13766; plus strand). Cytogenetic location: 1q25.2.
Variant type: single nucleotide variant.
Coding change: c.338A>C on transcript NM_015602.4 (MANE Select); coding-DNA position 338, A replaced by C.
Protein change: p.Gln113Pro; replaces glutamine 113 with proline.
Molecular consequence: missense variant.
Genome position (GRCh38, 1-based): chr1:179,882,840, A>C. VCF-style: chr1-179882840-A-C. GRCh37 (hg19) VCF-style: chr1-179851975-A-C.
Other names: c.338A>C, p.Gln113Pro (NM_001267578.2); short protein forms Q113P.
Identifiers: ClinVar variation 1469769 (VCV001469769.6), dbSNP rs2148468796, ClinGen allele CA343578101.
Genomic context (GRCh38, chr1:179,882,840, plus strand): 5'-ATTCTGCGAAAGAGGAAGTGAGAGAAAGCGCGTACTACCTTCGGTCTAGGCAGCGGAGGC[A>C]GCCGCGACCCCAGGAAACCGAGGAAATGAAGACGCGAAGGACTACCCGCCTTCAGCAGCA-3'
Protein context (NP_056417.2, residues 103-123): AYYLRSRQRR[Gln113Pro]PRPQETEEMK

ClinVar aggregate classification (germline): Uncertain significance (1 of 4 stars; one submission).

Conditions:
Autosomal recessive limb-girdle muscular dystrophy type 2Y (MRRSDC). Also called: Muscular dystrophy, limb-girdle, type 2y; Muscular dystrophy, autosomal recessive, with rigid spine and distal joint contractures. Identifiers: Orphanet 424261, MedGen C4511482, MONDO:0014900, OMIM 617072.

Submission:

Labcorp Genetics (formerly Invitae), Labcorp
Classification: Uncertain significance for Autosomal recessive limb-girdle muscular dystrophy type 2Y. Last evaluated: 2021-08-21. Review status: criteria provided, single submitter. Criteria: Invitae Variant Classification Sherloc (09022015). Collection method: clinical testing. Allele origin: germline.
Comment: In summary, the available evidence is currently insufficient to determine the role of this variant in disease. Therefore, it has been classified as a Variant of Uncertain Significance. Algorithms developed to predict the effect of missense changes on protein structure and function (SIFT, PolyPhen-2, Align-GVGD) all suggest that this variant is likely to be tolerated. This variant has not been reported in the literature in individuals affected with TOR1AIP1-related conditions. This variant is not present in population databases (ExAC no frequency). This sequence change replaces glutamine with proline at codon 113 of the TOR1AIP1 protein (p.Gln113Pro). The glutamine residue is weakly conserved and there is a moderate physicochemical difference between glutamine and proline.